The following is an entry in ClinVar:

ClinVar aggregate classification (germline): Uncertain significance (1 of 4 stars; one submission).

Conditions:
Autosomal recessive limb-girdle muscular dystrophy type 2W (MDRCMTT). Also called: Muscular dystrophy, autosomal recessive, with cardiomyopathy and triangular tongue; Muscular dystrophy, limb-girdle, type 2W. Identifiers: MedGen C4225192, MONDO:0014788, OMIM 616827.

Allele frequency attached by ClinVar (database versions not stated): ExAC 0.00001; gnomAD 0.00001; gnomAD exomes 0.00001 and 0.00003; TOPMed 0.00001.
gnomAD v4.1: 42 of 1,613,810 alleles (0.0026%); highest among the groups gnomAD compares: Non-Finnish European, 0.0033%; no homozygotes.

Submission:

Labcorp Genetics (formerly Invitae), Labcorp
Classification: Uncertain significance for Autosomal recessive limb-girdle muscular dystrophy type 2W. Last evaluated: 2022-09-19. Review status: criteria provided, single submitter. Criteria: Invitae Variant Classification Sherloc (09022015). Collection method: clinical testing. Allele origin: germline.
Comment: Advanced modeling of protein sequence and biophysical properties (such as structural, functional, and spatial information, amino acid conservation, physicochemical variation, residue mobility, and thermodynamic stability) performed at Invitae indicates that this missense variant is expected to disrupt LIMS2 protein function. In summary, the available evidence is currently insufficient to determine the role of this variant in disease. Therefore, it has been classified as a Variant of Uncertain Significance. ClinVar contains an entry for this variant (Variation ID: 1428323). This variant has not been reported in the literature in individuals affected with LIMS2-related conditions. This variant is present in population databases (rs765582704, gnomAD 0.002%). This sequence change replaces arginine, which is basic and polar, with tryptophan, which is neutral and slightly polar, at codon 341 of the LIMS2 protein (p.Arg341Trp).

NM_001161403.3(LIMS2):c.955C>T (p.Arg319Trp)

Gene: LIMS2 (LIM zinc finger domain containing 2; minus strand). Cytogenetic location: 2q14.3.
Variant type: single nucleotide variant.
Coding change: c.955C>T on transcript NM_001161403.3 (MANE Select); coding-DNA position 955, C replaced by T.
Protein change: p.Arg319Trp; replaces arginine 319 with tryptophan.
Molecular consequence: missense variant.
Genome position (GRCh38, 1-based): chr2:127,639,352, G>A on the plus strand (C>T on the coding strand, the complement: LIMS2 is on the minus strand). VCF-style: chr2-127639352-G-A. GRCh37 (hg19) VCF-style: chr2-128396927-G-A.
Other names: c.1021C>T, p.Arg341Trp (NM_001136037.4); c.940C>T, p.Arg314Trp (NM_001161404.2); c.499C>T, p.Arg167Trp (NM_001256542.2); c.1027C>T, p.Arg343Trp (NM_017980.5); short protein forms R314W, R167W, R341W, R319W, R343W.
Identifiers: ClinVar variation 1428323 (VCV001428323.11), dbSNP rs765582704, ClinGen allele CA1862799.